The following continues an entry in ClinVar:

NM_007294.4(BRCA1):c.3648dup (p.Ser1217fs)

ClinVar aggregate classification (germline): Pathogenic. Pathogenic (1).

Submissions 12 to 19 of 19:

Women's Health and Genetics/Laboratory Corporation of America, LabCorp
Classification: Pathogenic for Hereditary breast ovarian cancer syndrome. Last evaluated: 2021-03-19. Review status: criteria provided, single submitter. Criteria: LabCorp Variant Classification Summary - May 2015. Collection method: clinical testing. Allele origin: germline. Not counted in ClinVar's aggregate classification.
Comment: Variant summary: BRCA1 c.3648dupA (p.Ser1217IlefsX2) results in a premature termination codon, predicted to cause a truncation of the encoded protein or absence of the protein due to nonsense mediated decay, which are commonly known mechanisms for disease. The variant allele was found at a frequency of 4e-06 in 251312 control chromosomes (gnomAD). c.3648dupA has been reported in the literature in multiple individuals affected with Hereditary Breast and Ovarian Cancer Syndrome (example: Peyrat_1998, Vogel_2007, Tonin_1998, Rebbeck_2018). These data indicate that the variant is very likely to be associated with disease. To our knowledge, no experimental evidence demonstrating an impact on protein function has been reported. Nine other ClinVar submitters (evaluation after 2014) including an expert panel (ENIGMA) cite the variant as pathogenic. Based on the evidence outlined above, the variant was classified as pathogenic.

Laboratory for Molecular Medicine, Mass General Brigham Personalized Medicine
Classification: Pathogenic for Hereditary breast ovarian cancer syndrome. Last evaluated: 2017-06-29. Review status: criteria provided, single submitter. Criteria: LMM Criteria. Collection method: clinical testing. Allele origin: germline. Inheritance: Autosomal dominant inheritance. Observed: 1 variant allele. Not counted in ClinVar's aggregate classification.
Comment: The p.Ser1217fs variant in BRCA1 has been reported in 2 individuals with breast and/or ovarian cancer (Peyrat 1998, Risch 2001) and has also been identified in 1/33566 of Latino chromosomes by the Genome Aggregation Database (gnomAD; dbSNP rs80357902). This variant is predicted to caus e a frameshift, which alters the protein?s amino acid sequence beginning at posi tion 1217 and leads to a premature termination codon 2 amino acids downstream. T his alteration is then predicted to lead to a truncated or absent protein. Heter ozygous loss of function of the BRCA1 gene is an established disease mechanism i n hereditary breast and ovarian cancer (HBOC). In addition, this variant was cla ssified as pathogenic on Sept 8, 2016 by the ClinGen-approved ENIGMA expert pane l (ClinVar SCV000299986.2). In summary, this variant meets criteria to be classi fied as pathogenic for HBOC in an autosomal dominant manner based upon the predi cted impact to the protein and low frequency in controls.

CHEO Genetics Diagnostic Laboratory, Children's Hospital of Eastern Ontario
Classification: Pathogenic for Hereditary breast ovarian cancer syndrome. Last evaluated: 2016-05-30. Review status: criteria provided, single submitter. Criteria: ACMG Guidelines, 2015. Collection method: clinical testing. Allele origin: germline. Study: The Canadian Open Genetics Repository (COGR). Not counted in ClinVar's aggregate classification.

Consortium of Investigators of Modifiers of BRCA1/2 (CIMBA), c/o University of Cambridge
Classification: Pathogenic for Breast-ovarian cancer, familial, susceptibility to, 1. Last evaluated: 2015-10-02. Review status: criteria provided, single submitter. Criteria: CIMBA Mutation Classification guidelines May 2016. Collection method: clinical testing. Allele origin: germline. Not counted in ClinVar's aggregate classification.

Research Molecular Genetics Laboratory, Women's College Hospital, University of Toronto
Classification: Pathogenic for Hereditary breast ovarian cancer syndrome. Last evaluated: 2014-01-31. Review status: no assertion criteria provided. Collection method: research. Allele origin: germline. Affected: yes. Study: The Canadian Open Genetics Repository (COGR). Not counted in ClinVar's aggregate classification.

Sharing Clinical Reports Project (SCRP)
Classification: Pathogenic for Breast-ovarian cancer, familial 1. Last evaluated: 2009-10-09. Review status: no assertion criteria provided. Collection method: clinical testing. Allele origin: germline. Not counted in ClinVar's aggregate classification.

Breast Cancer Information Core (BIC) (BRCA1)
Classification: Pathogenic for Breast-ovarian cancer, familial 1. Last evaluated: 2003-12-23. Review status: no assertion criteria provided. Collection method: clinical testing. Allele origin: germline. Affected: yes. Observed: 3 variant alleles. Not counted in ClinVar's aggregate classification.

Department of Pathology and Laboratory Medicine, Sinai Health System
Classification: Pathogenic for Breast-ovarian cancer, familial, susceptibility to, 1. Review status: no assertion criteria provided. Collection method: clinical testing. Allele origin: unknown. Affected: yes. Study: The Canadian Open Genetics Repository (COGR). Not counted in ClinVar's aggregate classification.
Comment: The BRCA1 p.Ser1217IlefsX2 duplication variant was identified in 2 of 3240 proband chromosomes (frequency: 0.001) from individuals with breast or ovarian cancer (Caux-Moncoutier 2011, Vogel 2007). The variant was also identified in dbSNP (ID: rs80357902) â€šÃ„ÃºWith Pathogenic alleleâ€šÃ„Ã¹, HGMD, the ClinVar database (classified as pathogenic by the Sharing Clinical Reports Project, derived from Myriad reports; classified as pathogenic by GeneDX), the BIC database (3X as a variant with clinical importance; classified as pathogenic), and UMD (6X as a causal variant). The p.Ser1217IlefsX2 deletion/duplication/insertion variant is predicted to cause a frameshift, which alters the protein's amino acid sequence beginning at codon 1217 and leads to a premature stop codon at position 1218. This alteration is then predicted to result in a truncated or absent protein and loss of function. Loss of function variants of the BRCA1 gene are an established mechanism of disease in hereditary breast and ovarian cancer and is the type of variant expected to cause the disorder. In summary, based on the above information, this variant meets our laboratoryâ€šÃ„Ã´s criteria to be classified as pathogenic.

Literature cited by the submitters: PubMed 20104584 (cited by Labcorp Genetics (formerly Invitae), Labcorp); PubMed 10866029 (cited by 5 submitters); PubMed 21120943 (cited by 3 submitters); PubMed 22762150 (cited by 3 submitters); PubMed 11179017 (cited by 3 submitters); PubMed 17925560 (cited by 4 submitters); PubMed 21324516 (cited by 3 submitters); PubMed 30630528 (cited by Mayo Clinic Laboratories, Mayo Clinic and Quest Diagnostics Nichols Institute San Juan Capistrano); PubMed 9792861 (cited by 4 submitters); PubMed 20694749 (cited by Quest Diagnostics Nichols Institute San Juan Capistrano); PubMed 29446198 (cited by Quest Diagnostics Nichols Institute San Juan Capistrano and Women's Health and Genetics/Laboratory Corporation of America, LabCorp); PubMed 34413315 (cited by Quest Diagnostics Nichols Institute San Juan Capistrano); PubMed 37310942 (cited by Quest Diagnostics Nichols Institute San Juan Capistrano); PubMed 26295337 (cited by Quest Diagnostics Nichols Institute San Juan Capistrano); PubMed 17148771 (cited by Color Diagnostics, LLC DBA Color Health).